The following is an entry in ClinVar:

NM_001854.4(COL11A1):c.2338A>G (p.Lys780Glu)

Gene: COL11A1 (collagen type XI alpha 1 chain; minus strand). Cytogenetic location: 1p21.1.
Variant type: single nucleotide variant.
Coding change: c.2338A>G on transcript NM_001854.4 (MANE Select); coding-DNA position 2338, A replaced by G.
Protein change: p.Lys780Glu; replaces lysine 780 with glutamic acid.
Molecular consequence: missense variant. On other transcripts: non-coding transcript variant (1).
Genome position (GRCh38, 1-based): chr1:102,995,866, T>C on the plus strand (A>G on the coding strand, the complement: COL11A1 is on the minus strand). VCF-style: chr1-102995866-T-C. GRCh37 (hg19) VCF-style: chr1-103461422-T-C.
Other names: c.2221A>G, p.Lys741Glu (NM_001190709.2); c.2374A>G, p.Lys792Glu (NM_080629.3); c.1990A>G, p.Lys664Glu (NM_080630.4); short protein forms K664E, K741E, K780E, K792E.
Identifiers: ClinVar variation 4282471 (VCV004282471.1).

ClinVar aggregate classification (germline): Uncertain significance (1 of 4 stars; one submission).

Submission:

GeneDx
Classification: Uncertain significance. Last evaluated: 2025-04-14. Review status: criteria provided, single submitter. Criteria: GeneDx Variant Classification Process June 2021. Collection method: clinical testing. Allele origin: germline. Affected: yes.
Comment: Not observed at significant frequency in large population cohorts (gnomAD); In silico analysis supports that this missense variant has a deleterious effect on protein structure/function; In silico analysis suggests this variant may impact gene splicing. In the absence of RNA/functional studies, the actual effect of this sequence change is unknown.; Has not been previously published as pathogenic or benign to our knowledge